The following is an entry in ClinVar:

NM_001378454.1(ALMS1):c.9889G>A (p.Val3297Ile)

Gene: ALMS1 (ALMS1 centrosome and basal body associated protein; plus strand). Cytogenetic location: 2p13.1.
Variant type: single nucleotide variant.
Coding change: c.9889G>A on transcript NM_001378454.1 (MANE Select); coding-DNA position 9889, G replaced by A.
Protein change: p.Val3297Ile; replaces valine 3297 with isoleucine.
Molecular consequence: missense variant.
Genome position (GRCh38, 1-based): chr2:73,534,931, G>A. VCF-style: chr2-73534931-G-A. GRCh37 (hg19) VCF-style: chr2-73762058-G-A.
Other names: c.9892G>A, p.Val3298Ile (NM_015120.4); short protein forms V3297I, V3298I.
Identifiers: ClinVar variation 2177866 (VCV002177866.4), dbSNP rs755789450, ClinGen allele CA1714802.

ClinVar aggregate classification (germline): Conflicting classifications of pathogenicity. Review status: criteria provided, conflicting classifications (1 of 4 stars). 3 submissions from 3 submitters: Uncertain significance (2); Likely benign (1). Last evaluated 2026-03-09.

Conditions:
Cardiovascular phenotype. Identifiers: MedGen CN230736.
Alstrom syndrome (ALMS). Identifiers: Orphanet 64, MedGen C0268425, MONDO:0008763, OMIM 203800.

Allele frequency attached by ClinVar (database versions not stated): ExAC 0.00002; TOPMed 0.00002; gnomAD 0.00003; gnomAD exomes 0.00003.
gnomAD v4.1: 51 of 1,613,560 alleles (0.0032%); highest among the groups gnomAD compares: East Asian, 0.0045%; no homozygotes.

Submissions (3):

GeneDx
Classification: Uncertain significance. Last evaluated: 2026-03-09. Review status: criteria provided, single submitter. Criteria: GeneDx Variant Classification Process June 2021. Collection method: clinical testing. Allele origin: germline.
Comment: Not observed at significant frequency in large population cohorts (gnomAD); In silico analysis suggests that this missense variant does not alter protein structure/function; Has not been previously published as pathogenic or benign to our knowledge

Ambry Genetics
Classification: Likely benign for Cardiovascular phenotype. Last evaluated: 2024-01-29. Review status: criteria provided, single submitter. Criteria: Ambry Variant Classification Scheme 2023. Collection method: clinical testing. Allele origin: germline.

Labcorp Genetics (formerly Invitae), Labcorp
Classification: Uncertain significance for Alstrom syndrome. Last evaluated: 2022-10-10. Review status: criteria provided, single submitter. Criteria: Invitae Variant Classification Sherloc (09022015). Collection method: clinical testing. Allele origin: germline.
Comment: This sequence change replaces valine, which is neutral and non-polar, with isoleucine, which is neutral and non-polar, at codon 3298 of the ALMS1 protein (p.Val3298Ile). This variant is present in population databases (rs755789450, gnomAD 0.006%). This variant has not been reported in the literature in individuals affected with ALMS1-related conditions. Algorithms developed to predict the effect of missense changes on protein structure and function output the following: SIFT: "Not Available"; PolyPhen-2: "Not Available"; Align-GVGD: "Not Available". The isoleucine amino acid residue is found in multiple mammalian species, which suggests that this missense change does not adversely affect protein function. In summary, the available evidence is currently insufficient to determine the role of this variant in disease. Therefore, it has been classified as a Variant of Uncertain Significance.